The following is an entry in ClinVar:

NM_001876.4(CPT1A):c.535G>A (p.Val179Ile)

Gene: CPT1A (carnitine palmitoyltransferase 1A; minus strand). Cytogenetic location: 11q13.3.
Variant type: single nucleotide variant.
Coding change: c.535G>A on transcript NM_001876.4 (MANE Select); coding-DNA position 535, G replaced by A.
Protein change: p.Val179Ile; replaces valine 179 with isoleucine.
Molecular consequence: missense variant.
Genome position (GRCh38, 1-based): chr11:68,804,020, C>T on the plus strand (G>A on the coding strand, the complement: CPT1A is on the minus strand). VCF-style: chr11-68804020-C-T. GRCh37 (hg19) VCF-style: chr11-68571488-C-T.
Other names: c.535G>A, p.Val179Ile (NM_001031847.3); short protein forms V179I.
Identifiers: ClinVar variation 970963 (VCV000970963.14), dbSNP rs542856213, ClinGen allele CA6152632.

ClinVar aggregate classification (germline): Conflicting classifications of pathogenicity. Review status: criteria provided, conflicting classifications (1 of 4 stars). 4 submissions from 4 submitters: Uncertain significance (2); Likely benign (1). 1 of the submissions does not count toward it. Last evaluated 2025-08-17.

Conditions:
Inborn genetic diseases. Identifiers: MedGen C0950123, MeSH D030342.
Carnitine palmitoyl transferase 1A deficiency. Also called: Carnitine palmitoyltransferase 1A deficiency; CPT deficiency, hepatic, type IA; CPT I DEFICIENCY; CPT DEFICIENCY, HEPATIC, TYPE I; Carnitine palmitoyltransferase type I deficiency. Identifiers: Orphanet 156, MedGen C1829703, MONDO:0009705, OMIM 255120.

Allele frequency attached by ClinVar (database versions not stated): gnomAD below 0.00001 and 0.00003; TOPMed below 0.00001; gnomAD exomes 0.00003 and 0.00009; ExAC 0.00012; 1000 Genomes Project 30x 0.00016; 1000 Genomes Project 0.00020.
gnomAD v4.1: 47 of 1,614,034 alleles (0.0029%); highest among the groups gnomAD compares: South Asian, 0.051%; no homozygotes.

Submissions (4):

Labcorp Genetics (formerly Invitae), Labcorp
Classification: Likely benign for Carnitine palmitoyl transferase 1A deficiency. Last evaluated: 2025-08-17. Review status: criteria provided, single submitter. Criteria: Invitae Variant Classification Sherloc (09022015). Collection method: clinical testing. Allele origin: germline.

Revvity Omics, Revvity
Classification: Uncertain significance for Carnitine palmitoyl transferase 1A deficiency. Last evaluated: 2023-05-22. Review status: criteria provided, single submitter. Criteria: ACMG Guidelines, 2015. Collection method: clinical testing. Allele origin: germline.

Ambry Genetics
Classification: Uncertain significance for Inborn genetic diseases. Last evaluated: 2021-03-22. Review status: criteria provided, single submitter. Criteria: Ambry Variant Classification Scheme 2023. Collection method: clinical testing. Allele origin: germline.
Comment: The c.535G>A (p.V179I) alteration is located in exon 5 (coding exon 4) of the CPT1A gene. This alteration results from a G to A substitution at nucleotide position 535, causing the valine (V) at amino acid position 179 to be replaced by an isoleucine (I). The p.V179I alteration is predicted to be tolerated by in silico analysis. Based on insufficient or conflicting evidence, the clinical significance of this alteration remains unclear.

Natera, Inc.
Classification: Uncertain significance for Carnitine palmitoyltransferase type I deficiency. Last evaluated: 2020-06-25. Review status: no assertion criteria provided. Collection method: clinical testing. Allele origin: germline. Not counted in ClinVar's aggregate classification.